The following is an entry in ClinVar:

ClinVar aggregate classification (germline): Uncertain significance (0 of 4 stars; one submission).

Conditions:
RPGRIP1L-related disorder. Also called: RPGRIP1L-related condition; RPGRIP1L-related disorders. Identifiers: MedGen CN239416.

gnomAD v4.1: 6 of 1,612,616 alleles (0.00037%); highest among the groups gnomAD compares: African/African-American, 0.008%; no homozygotes.

Submission:

PreventionGenetics, part of Exact Sciences
Classification: Uncertain significance for RPGRIP1L-related condition. Last evaluated: 2024-04-17. Review status: no assertion criteria provided. Collection method: clinical testing. Allele origin: germline.
Comment: The RPGRIP1L c.3254A>G variant is predicted to result in the amino acid substitution p.Asp1085Gly. To our knowledge, this variant has not been reported in the literature. This variant is reported in 0.011% of alleles in individuals of African descent in gnomAD. At this time, the clinical significance of this variant is uncertain due to the absence of conclusive functional and genetic evidence.

NM_015272.5(RPGRIP1L):c.3254A>G (p.Asp1085Gly)

Gene: RPGRIP1L (RPGRIP1 like; minus strand). Cytogenetic location: 16q12.2.
Variant type: single nucleotide variant.
Coding change: c.3254A>G on transcript NM_015272.5 (MANE Select); coding-DNA position 3254, A replaced by G.
Protein change: p.Asp1085Gly; replaces aspartic acid 1085 with glycine.
Molecular consequence: missense variant.
Genome position (GRCh38, 1-based): chr16:53,636,479, T>C on the plus strand (A>G on the coding strand, the complement: RPGRIP1L is on the minus strand). VCF-style: chr16-53636479-T-C. GRCh37 (hg19) VCF-style: chr16-53670391-T-C.
Other names: c.3152A>G, p.Asp1051Gly (NM_001127897.4, NM_001330538.2); c.3254A>G, p.Asp1085Gly (NM_001308334.3); short protein forms D1051G, D1085G.
Identifiers: ClinVar variation 3352172 (VCV003352172.1).